The following is an entry in ClinVar:

ClinVar aggregate classification (germline): Pathogenic (1 of 4 stars; one submission).

Conditions:
Pfeiffer syndrome (ACS5). Also called: ACS V. Identifiers: Orphanet 710, MedGen C0220658, MONDO:0007043, OMIM 101600.
Hypogonadotropic hypogonadism 2 with or without anosmia (HH2). Also called: FGFR1-Related GnRH Deficiency (Kallmann Syndrome 2); HYPOGONADOTROPIC HYPOGONADISM 2 WITHOUT ANOSMIA; HYPOGONADOTROPIC HYPOGONADISM 2 WITH OR WITHOUT ANOSMIA, SUSCEPTIBILITY TO; HYPOGONADOTROPIC HYPOGONADISM 2 WITHOUT ANOSMIA, SUSCEPTIBILITY TO. Identifiers: Orphanet 478, MedGen C1563720, MONDO:0007844, OMIM 147950. Disease mechanism: loss of function.

Submission:

Labcorp Genetics (formerly Invitae), Labcorp
Classification: Pathogenic for Pfeiffer syndrome; Hypogonadotropic hypogonadism 2 with or without anosmia. Last evaluated: 2023-11-03. Review status: criteria provided, single submitter. Criteria: Invitae Variant Classification Sherloc (09022015). Collection method: clinical testing. Allele origin: germline.
Comment: This sequence change creates a premature translational stop signal (p.Lys482Glnfs*61) in the FGFR1 gene. It is expected to result in an absent or disrupted protein product. Loss-of-function variants in FGFR1 are known to be pathogenic (PMID: 12627230). This variant is not present in population databases (gnomAD no frequency). This variant has not been reported in the literature in individuals affected with FGFR1-related conditions. For these reasons, this variant has been classified as Pathogenic.

Literature cited by the submitters: PubMed 12627230.

NM_023110.3(FGFR1):c.1443dup (p.Lys482fs)

Gene: FGFR1 (fibroblast growth factor receptor 1; minus strand). Cytogenetic location: 8p11.23.
Variant type: Duplication.
Coding change: c.1443dup on transcript NM_023110.3 (MANE Select); coding-DNA position 1443, one base duplicated (C; older notation c.1443dupC).
Protein change: p.Lys482fs; shifts the reading frame from lysine 482.
Molecular consequence: frameshift variant.
Genome position (GRCh38, 1-based): chr8:38,417,979, G duplicated on the plus strand (C on the coding strand, the reverse complement: FGFR1 is on the minus strand). VCF-style (leftmost placement, unchanged base first): chr8-38417978-T-TG. GRCh37 (hg19) VCF-style: chr8-38275496-T-TG.
Other names: c.1176dup, p.Lys393fs (NM_001174066.2, NM_023105.3); c.1536dup, p.Lys513fs (NM_001174067.2); c.1431dup, p.Lys478fs (NM_001354369.2, NM_001410922.1); c.1170dup, p.Lys391fs (NM_001354370.2, NM_023106.3); c.1437dup, p.Lys480fs (NM_015850.4, NM_001174065.2, NM_001354367.2 and 1 more transcripts); c.1413dup, p.Lys472fs (NM_001174064.2); c.1164dup, p.Lys389fs (NM_001354368.2); c.1443dup, p.Lys482Glnfs (NM_000604.2); short protein forms K480fs, K482fs, K389fs, K393fs, K478fs, K513fs, K391fs, K472fs.
Identifiers: ClinVar variation 2953540 (VCV002953540.3), dbSNP rs2536914781, ClinGen allele CA2740094997.